The following is an entry in ClinVar:

NM_001291867.2(NHS):c.2573T>C (p.Leu858Ser)

Gene: NHS (NHS actin remodeling regulator; plus strand). Cytogenetic location: Xp22.13.
Variant type: single nucleotide variant.
Coding change: c.2573T>C on transcript NM_001291867.2 (MANE Select); coding-DNA position 2573, T replaced by C.
Protein change: p.Leu858Ser; replaces leucine 858 with serine.
Molecular consequence: missense variant.
Genome position (GRCh38, 1-based): chrX:17,726,679, T>C. VCF-style: chrX-17726679-T-C. GRCh37 (hg19) VCF-style: chrX-17744799-T-C.
Other names: c.2042T>C, p.Leu681Ser (NM_001136024.4); c.1979T>C, p.Leu660Ser (NM_001291868.2); c.2510T>C, p.Leu837Ser (NM_198270.4); short protein forms L681S, L837S, L660S, L858S.
Identifiers: ClinVar variation 1907261 (VCV001907261.5), dbSNP rs2519937607, ClinGen allele CA412359384.

ClinVar aggregate classification (germline): Uncertain significance (1 of 4 stars; one submission).

Conditions:
Nance-Horan syndrome (NHS). Identifiers: Orphanet 627, MedGen C0796085, MONDO:0010545, OMIM 302350.

Allele frequency attached by ClinVar (database versions not stated): gnomAD exomes below 0.00001.
gnomAD v4.1: 1 of 1,211,686 alleles (0.000083%); no homozygotes.

Submission:

Labcorp Genetics (formerly Invitae), Labcorp
Classification: Uncertain significance for Nance-Horan syndrome. Last evaluated: 2022-01-27. Review status: criteria provided, single submitter. Criteria: Invitae Variant Classification Sherloc (09022015). Collection method: clinical testing. Allele origin: germline.
Comment: In summary, the available evidence is currently insufficient to determine the role of this variant in disease. Therefore, it has been classified as a Variant of Uncertain Significance. Algorithms developed to predict the effect of missense changes on protein structure and function (SIFT, PolyPhen-2, Align-GVGD) all suggest that this variant is likely to be disruptive. This variant has not been reported in the literature in individuals affected with NHS-related conditions. This variant is not present in population databases (gnomAD no frequency). This sequence change replaces leucine, which is neutral and non-polar, with serine, which is neutral and polar, at codon 837 of the NHS protein (p.Leu837Ser).